The following is an entry in ClinVar:

ClinVar aggregate classification (germline): Likely benign. Review status: criteria provided, multiple submitters, no conflicts (2 of 4 stars). 2 submissions from 2 submitters: Likely benign (2). Last evaluated 2024-12-22.

Conditions:
Hereditary cancer-predisposing syndrome. Also called: Hereditary neoplastic syndrome; Hereditary Cancer Syndrome; Neoplastic Syndromes, Hereditary; Tumor predisposition. Identifiers: Orphanet 140162, MedGen C0027672, MeSH D009386, MONDO:0015356.

Allele frequency attached by ClinVar (database versions not stated): gnomAD exomes below 0.00001.
gnomAD v4.1: 1 of 1,613,902 alleles (0.000062%); highest among the groups gnomAD compares: Non-Finnish European, 0.000085%; no homozygotes.

Submissions (2):

Ambry Genetics
Classification: Likely benign for Hereditary cancer-predisposing syndrome. Last evaluated: 2024-12-22. Review status: criteria provided, single submitter. Criteria: Ambry Variant Classification Scheme 2023. Collection method: clinical testing. Allele origin: germline.

GeneDx
Classification: Likely benign. Last evaluated: 2017-03-27. Review status: criteria provided, single submitter. Criteria: GeneDx Variant Classification (06012015). Collection method: clinical testing. Allele origin: germline. Affected: yes.
Comment: This variant is considered likely benign or benign based on one or more of the following criteria: it is a conservative change, it occurs at a poorly conserved position in the protein, it is predicted to be benign by multiple in silico algorithms, and/or has population frequency not consistent with disease.

NM_000051.4(ATM):c.2826C>T (p.Leu942=)

Gene: ATM (ATM serine/threonine kinase; plus strand). Cytogenetic location: 11q22.3.
Variant type: single nucleotide variant.
Coding change: c.2826C>T on transcript NM_000051.4 (MANE Select); coding-DNA position 2826, C replaced by T.
Protein change: p.Leu942=; no amino-acid change (leucine 942 retained).
Molecular consequence: synonymous variant.
Genome position (GRCh38, 1-based): chr11:108,268,597, C>T. VCF-style: chr11-108268597-C-T. GRCh37 (hg19) VCF-style: chr11-108139324-C-T.
Other names: c.2826C>T, p.Leu942= (NM_001351834.2).
Identifiers: ClinVar variation 508421 (VCV000508421.2), dbSNP rs1025892576, ClinGen allele CA228407807.